The following is an entry in ClinVar:

NM_001173990.3(TMEM216):c.432-3C>T

Gene: TMEM216 (transmembrane protein 216; plus strand). Cytogenetic location: 11q12.2.
Variant type: single nucleotide variant.
Coding change: c.432-3C>T on transcript NM_001173990.3 (MANE Select); 3 bases into the intron before coding-DNA position 432, C replaced by T.
Molecular consequence: intron variant. On other transcripts: synonymous variant (2).
Genome position (GRCh38, 1-based): chr11:61,398,267, C>T. VCF-style: chr11-61398267-C-T. GRCh37 (hg19) VCF-style: chr11-61165739-C-T.
Other names: c.438C>T (NM_001173991.2); c.438C>T, p.Asp146= (NM_001173991.3); c.255C>T, p.Asp85= (NM_016499.6); c.249-3C>T (NM_001330285.2).
Identifiers: ClinVar variation 1963834 (VCV001963834.3), dbSNP rs1183287533, ClinGen allele CA599504025.

ClinVar aggregate classification (germline): Conflicting classifications of pathogenicity. Review status: criteria provided, conflicting classifications (1 of 4 stars). 2 submissions from 2 submitters: Uncertain significance (1); Likely benign (1). Last evaluated 2026-07-20.

Conditions:
TMEM216-related disorder. Also called: TMEM216-related disorders; TMEM216-related condition.
Joubert syndrome. Also called: Familial aplasia of the vermis; JOUBERT-BOLTSHAUSER SYNDROME. Identifiers: Orphanet 475, MedGen C5979921, MONDO:0018772.

Allele frequency attached by ClinVar (database versions not stated): gnomAD exomes below 0.00001; TOPMed below 0.00001; gnomAD 0.00001.
gnomAD v4.1: 5 of 1,611,530 alleles (0.00031%); highest among the groups gnomAD compares: Non-Finnish European, 0.00042%; no homozygotes.

Submissions (2):

PreventionGenetics, part of Exact Sciences
Classification: Likely benign for TMEM216-related condition. Last evaluated: 2026-07-20. Review status: criteria provided, single submitter. Criteria: ACMG Guidelines, 2015. Collection method: clinical testing. Allele origin: germline.
Comment: This variant is classified as likely benign based on ACMG/AMP sequence variant interpretation guidelines (Richards et al. 2015 PMID: 25741868, with internal and published modifications).

Labcorp Genetics (formerly Invitae), Labcorp
Classification: Uncertain significance for Joubert syndrome. Last evaluated: 2022-08-27. Review status: criteria provided, single submitter. Criteria: Invitae Variant Classification Sherloc (09022015). Collection method: clinical testing. Allele origin: germline.
Comment: This sequence change falls in intron 4 of the TMEM216 gene. It does not directly change the encoded amino acid sequence of the TMEM216 protein. It affects a nucleotide within the consensus splice site. This variant is present in population databases (no rsID available, gnomAD 0.0009%). This variant has not been reported in the literature in individuals affected with TMEM216-related conditions. Variants that disrupt the consensus splice site are a relatively common cause of aberrant splicing (PMID: 17576681, 9536098). Algorithms developed to predict the effect of sequence changes on RNA splicing suggest that this variant is not likely to affect RNA splicing. In summary, the available evidence is currently insufficient to determine the role of this variant in disease. Therefore, it has been classified as a Variant of Uncertain Significance.

Literature cited by the submitters: PubMed 17576681 (cited by Labcorp Genetics (formerly Invitae), Labcorp); PubMed 9536098 (cited by Labcorp Genetics (formerly Invitae), Labcorp).